The following is an entry in ClinVar:

NM_001201543.2(FAM161A):c.1205C>G (p.Ser402Ter)

Gene: FAM161A (FAM161 centrosomal protein A; minus strand). Cytogenetic location: 2p15.
Variant type: single nucleotide variant.
Coding change: c.1205C>G on transcript NM_001201543.2 (MANE Select); coding-DNA position 1205, C replaced by G.
Protein change: p.Ser402Ter; replaces serine 402 with a stop codon.
Molecular consequence: nonsense. On other transcripts: non-coding transcript variant (1).
Genome position (GRCh38, 1-based): chr2:61,839,799, G>C on the plus strand (C>G on the coding strand, the complement: FAM161A is on the minus strand). VCF-style: chr2-61839799-G-C. GRCh37 (hg19) VCF-style: chr2-62066934-G-C.
Other names: c.1205C>G, p.Ser402Ter (NM_032180.3); short protein forms S402*.
Identifiers: ClinVar variation 546863 (VCV000546863.49), dbSNP rs1553354522, ClinGen allele CA346987033.

ClinVar aggregate classification (germline): Pathogenic/Likely pathogenic. Review status: criteria provided, multiple submitters, no conflicts (2 of 4 stars). 4 submissions from 4 submitters: Pathogenic (3); Likely pathogenic (1). Last evaluated 2024-07-02.

Conditions:
Retinitis pigmentosa 28 (RP28). Identifiers: Orphanet 791, MedGen C1419614, MONDO:0011630, OMIM 606068.
Retinitis pigmentosa (RP). Identifiers: Orphanet 791, MedGen C0035334, MeSH D012174, MONDO:0019200, OMIM 268000. Inheritance: Autosomal dominant, autosomal recessive and X linked inheritance.

Allele frequency attached by ClinVar (database versions not stated): TOPMed below 0.00001.
gnomAD v4.1: 3 of 1,614,166 alleles (0.00019%); highest among the groups gnomAD compares: Non-Finnish European, 0.00025%; no homozygotes.

Submissions (4):

Natera, Inc.
Classification: Pathogenic for Retinitis pigmentosa type 28. Last evaluated: 2024-07-02. Review status: criteria provided, single submitter. Criteria: Natera Variant Classification Schema (03/2026). Collection method: clinical testing. Allele origin: germline.
Comment: The c.1205C>G variant in FAM161A is a nonsense variant predicted to introduce a stop codon at amino acid 402. This variant is expected to result in nonsense mediated decay, truncation, or a dysfunctional protein product. This variant is rare in the general population with a frequency below the threshold expected for the associated phenotype(s). This variant has been observed in one or more individuals affected with the associated recessive disease, as either homozygous or compound heterozygous with a second variant (PMID: 32531858). Given the available evidence, this variant is classified as Pathogenic.

Labcorp Genetics (formerly Invitae), Labcorp
Classification: Pathogenic. Last evaluated: 2022-04-12. Review status: criteria provided, single submitter. Criteria: Invitae Variant Classification Sherloc (09022015). Collection method: clinical testing. Allele origin: germline.
Comment: This sequence change creates a premature translational stop signal (p.Ser402*) in the FAM161A gene. It is expected to result in an absent or disrupted protein product. Loss-of-function variants in FAM161A are known to be pathogenic (PMID: 20705278, 20705279, 24651477). This variant is not present in population databases (gnomAD no frequency). For these reasons, this variant has been classified as Pathogenic. ClinVar contains an entry for this variant (Variation ID: 546863). This variant has not been reported in the literature in individuals affected with FAM161A-related conditions.

Molecular Genetics Laboratory, Institute for Ophthalmic Research
Classification: Pathogenic for Retinitis pigmentosa. Last evaluated: 2020-01-09. Review status: criteria provided, single submitter. Criteria: ACMG Guidelines, 2015. Collection method: research. Allele origin: germline. Affected: yes.

CeGaT Center for Human Genetics Tuebingen
Classification: Likely pathogenic. Last evaluated: 2018-07-01. Review status: criteria provided, single submitter. Criteria: CeGaT Center For Human Genetics Tuebingen Variant Classification Criteria Version 2. Collection method: clinical testing. Allele origin: germline. Affected: yes. Observed: 3 variant alleles.

Literature cited by the submitters: PubMed 32531858 (cited by Natera, Inc.); PubMed 20705278 (cited by Labcorp Genetics (formerly Invitae), Labcorp); PubMed 20705279 (cited by Labcorp Genetics (formerly Invitae), Labcorp); PubMed 24651477 (cited by Labcorp Genetics (formerly Invitae), Labcorp).